The following is an entry in ClinVar:

ClinVar aggregate classification (germline): Uncertain significance (1 of 4 stars; one submission).

Allele frequency attached by ClinVar (database versions not stated): TOPMed below 0.00001; ExAC 0.00001; gnomAD exomes 0.00001.

Submission:

Labcorp Genetics (formerly Invitae), Labcorp
Classification: Uncertain significance. Last evaluated: 2025-01-22. Review status: criteria provided, single submitter. Criteria: Invitae Variant Classification Sherloc (09022015). Collection method: clinical testing. Allele origin: germline.
Comment: This sequence change replaces glutamine, which is neutral and polar, with histidine, which is basic and polar, at codon 77 of the ROR2 protein (p.Gln77His). This variant is present in population databases (rs769878329, gnomAD 0.003%). This variant has not been reported in the literature in individuals affected with ROR2-related conditions. ClinVar contains an entry for this variant (Variation ID: 1906499). Invitae Evidence Modeling of protein sequence and biophysical properties (such as structural, functional, and spatial information, amino acid conservation, physicochemical variation, residue mobility, and thermodynamic stability) indicates that this missense variant is not expected to disrupt ROR2 protein function with a negative predictive value of 95%. In summary, the available evidence is currently insufficient to determine the role of this variant in disease. Therefore, it has been classified as a Variant of Uncertain Significance.

NM_004560.4(ROR2):c.231G>C (p.Gln77His)

Gene: ROR2 (receptor tyrosine kinase like orphan receptor 2; minus strand). Cytogenetic location: 9q22.31.
Variant type: single nucleotide variant.
Coding change: c.231G>C on transcript NM_004560.4 (MANE Select); coding-DNA position 231, G replaced by C.
Protein change: p.Gln77His; replaces glutamine 77 with histidine.
Molecular consequence: missense variant.
Genome position (GRCh38, 1-based): chr9:91,757,504, C>G on the plus strand (G>C on the coding strand, the complement: ROR2 is on the minus strand). VCF-style: chr9-91757504-C-G. GRCh37 (hg19) VCF-style: chr9-94519786-C-G.
Other names: c.231G>C, p.Gln77His (NM_001318204.2); short protein forms Q77H.
Identifiers: ClinVar variation 1906499 (VCV001906499.5), dbSNP rs769878329, ClinGen allele CA5121080.